The following continues an entry in ClinVar:

NM_000152.5(GAA):c.2238G>C (p.Trp746Cys)

Gene: GAA. ClinVar aggregate classification (germline): Pathogenic. Pathogenic (1).

Submissions 6 to 20 of 32:

Labcorp Genetics (formerly Invitae), Labcorp
Classification: Pathogenic for Glycogen storage disease, type II. Last evaluated: 2026-01-26. Review status: criteria provided, single submitter. Criteria: Invitae Variant Classification Sherloc (09022015). Collection method: clinical testing. Allele origin: germline. Not counted in ClinVar's aggregate classification.
Comment: This sequence change replaces tryptophan, which is neutral and slightly polar, with cysteine, which is neutral and slightly polar, at codon 746 of the GAA protein (p.Trp746Cys). This variant is present in population databases (rs1800312, gnomAD 0.06%). This missense change has been observed in individual(s) with Pompe disease (PMID: 18458862, 21232767, 21757382, 23430493, 25093132, 25526786, 27099502). In at least one individual the data is consistent with being in trans (on the opposite chromosome) from a pathogenic variant. ClinVar contains an entry for this variant (Variation ID: 265160). Invitae Evidence Modeling of protein sequence and biophysical properties (such as structural, functional, and spatial information, amino acid conservation, physicochemical variation, residue mobility, and thermodynamic stability) indicates that this missense variant is expected to disrupt GAA protein function with a positive predictive value of 95%. Experimental studies have shown that this missense change affects GAA function (PMID: 7981676, 9535769, 21757382). For these reasons, this variant has been classified as Pathogenic.

Natera, Inc.
Classification: Pathogenic for Glycogen storage disease type II. Last evaluated: 2025-12-19. Review status: criteria provided, single submitter. Criteria: Natera Variant Classification Schema (03/2026). Collection method: clinical testing. Allele origin: germline. Not counted in ClinVar's aggregate classification.
Comment: The c.2238G>C variant in GAA is a missense variant predicted to cause substitution of tryptophan to cysteine at amino acid 746. This variant is rare in the general population with a frequency below the threshold expected for the associated phenotype(s). This variant has been observed in one or more individuals affected with the associated recessive disease, as either homozygous or compound heterozygous with a second variant (PMID: 21757382). Additionally, this variant has been observed to segregate in affected family members (PMID: 21757382). Given the available evidence, this variant is classified as Pathogenic.

3billion
Classification: Pathogenic for Glycogen storage disease, type II. Last evaluated: 2025-10-02. Review status: criteria provided, single submitter. Criteria: ACMG Guidelines, 2015. Collection method: clinical testing. Allele origin: germline. Affected: yes. Not counted in ClinVar's aggregate classification.
Comment: The variant is observed at an extremely low frequency in the gnomAD v4.1.0 dataset (total allele frequency: 0.048%). Predicted Consequence/Location: Missense variant Functional studies provide supporting evidence of the variant having a damaging effect on the gene or gene product (PMID: 21757382, 23430493, 7981676). In silico tool predictions suggest damaging effect of the variant on gene or gene product [REVEL: 0.90 (>=0.6, sensitivity 0.68 and specificity 0.92); 3Cnet: 0.99 (> 0.75, sensitivity 0.96 and precision 0.92)]. The same nucleotide change resulting in the same amino acid change has been previously reported as pathogenic/likely pathogenic with strong evidence (ClinVar ID: VCV000265160 /PMID: 18458862). The variant has been reported to be in trans with a pathogenic variant as either compound heterozygous or homozygous in at least 4 similarly affected unrelated individuals (PMID: 21232767, 25093132, 25526786). Different missense changes at the same codon (p.Trp746Arg, p.Trp746Gly, p.Trp746Ser) have been reported as pathogenic/likely pathogenic with strong evidence (ClinVar ID: VCV000188484, VCV000499293, VCV000556431 /PMID: 18425781, 20080426, 23430493). Therefore, this variant is classified as Pathogenic according to the recommendation of ACMG/AMP guideline.

Victorian Clinical Genetics Services, Murdoch Childrens Research Institute
Classification: Pathogenic for Glycogen storage disease, type II. Last evaluated: 2025-09-18. Review status: criteria provided, single submitter. Criteria: ACMG Guidelines, 2015. Collection method: clinical testing. Allele origin: germline. Not counted in ClinVar's aggregate classification.
Comment: This variant is classified as Pathogenic. Evidence in support of pathogenic classification: Variant is present in gnomAD <0.01 for a recessive condition (v4: 771 heterozygotes, 0 homozygotes); This variant has very strong previous evidence of pathogenicity in unrelated individuals. This variant is classified pathogenic by a ClinGen Expert panel and as likely pathogenic and pathogenic by clinical laboratories in ClinVar. It has been reported as homozygous or compound heterozygous in individuals with Pompe disease or glycogen storage disease II (ClinVar; PMIDs: 18458862, 25526786, 31931849, 32126021). Additional information: Variant is predicted to result in a missense amino acid change from tryptophan to cysteine; This variant is heterozygous; This gene is associated with autosomal recessive disease; Multiple amino acid changes at the same position are present in gnomAD (Highest alelle count: v4: 109 heterozygote(s), 0 homozygote(s)); Variant is located in the annotated glycosyl hydrolase family 31 C-terminal domain (DECIPHER); Missense variant predicted to be damaging by in silico tool(s) or highly conserved with a major amino acid change; Loss of function is a known mechanism of disease in this gene and is associated with glycogen storage disease II (MIM#232300).

Revvity Omics, Revvity
Classification: Pathogenic. Last evaluated: 2025-08-06. Review status: criteria provided, single submitter. Criteria: ACMG Guidelines, 2015. Collection method: clinical testing. Allele origin: germline. Not counted in ClinVar's aggregate classification.

Blueprint Genetics
Classification: Pathogenic for GAA-related disorders. Last evaluated: 2024-10-11. Review status: criteria provided, single submitter. Criteria: ACMG Guidelines, 2015. Collection method: clinical testing. Allele origin: germline. Affected: yes. Observed: 5 variant alleles. Not counted in ClinVar's aggregate classification.

Genomic Medicine Center of Excellence, King Faisal Specialist Hospital and Research Centre
Classification: Pathogenic for Glycogen storage disease, type II. Last evaluated: 2024-03-29. Review status: criteria provided, single submitter. Criteria: ACMG Guidelines, 2015. Collection method: clinical testing. Allele origin: germline. Not counted in ClinVar's aggregate classification.

Department of Pathology and Laboratory Medicine, Sinai Health System
Classification: Pathogenic for Glycogen storage disease, type II. Last evaluated: 2023-08-17. Review status: criteria provided, single submitter. Criteria: ACMG Guidelines, 2015. Collection method: research. Allele origin: germline. Not counted in ClinVar's aggregate classification.

Greenwood Genetic Center Diagnostic Laboratories, Greenwood Genetic Center
Classification: Pathogenic for Glycogen storage disease, type II. Last evaluated: 2023-04-13. Review status: criteria provided, single submitter. Criteria: ACMG Guidelines, 2015. Collection method: clinical testing. Allele origin: germline. Affected: yes. Not counted in ClinVar's aggregate classification.
Comment: PS3_Moderate, PM3_Very Strong, PM5_Supporting, PP3

Equipe Genetique des Anomalies du Developpement, Université de Bourgogne
Classification: Pathogenic for Glycogen storage disease, type II. Last evaluated: 2023-03-23. Review status: criteria provided, single submitter. Criteria: ACMG Guidelines, 2015. Collection method: clinical testing. Allele origin: biparental. Inheritance: Autosomal recessive inheritance. Affected: yes. Not counted in ClinVar's aggregate classification.

MGZ Medical Genetics Center
Classification: Pathogenic for Glycogen storage disease, type II. Last evaluated: 2022-06-14. Review status: criteria provided, single submitter. Criteria: ACMG Guidelines, 2015. Collection method: clinical testing. Allele origin: germline. Affected: yes. Observed: 3 variant alleles. Not counted in ClinVar's aggregate classification.
Comment: ACMG criteria applied: PS3, PS4_MOD, PM3, PM2_SUP, PP3, PP4

AiLife Diagnostics
Classification: Pathogenic. Last evaluated: 2022-02-22. Review status: criteria provided, single submitter. Criteria: ACMG Guidelines, 2015. Collection method: clinical testing. Allele origin: germline. Affected: yes. Observed: 14 variant alleles. Not counted in ClinVar's aggregate classification.

Fulgent Genetics
Classification: Pathogenic for Glycogen storage disease, type II. Last evaluated: 2022-02-15. Review status: criteria provided, single submitter. Criteria: ACMG Guidelines, 2015. Collection method: clinical testing. Allele origin: unknown. Not counted in ClinVar's aggregate classification.

GeneDx
Classification: Pathogenic. Last evaluated: 2020-10-01. Review status: criteria provided, single submitter. Criteria: GeneDx Variant Classification Process June 2021. Collection method: clinical testing. Allele origin: germline. Affected: yes. Not counted in ClinVar's aggregate classification.
Comment: Published functional studies demonstrate a damaging effect (Nio MY, 2013); In silico analysis, which includes protein predictors and evolutionary conservation, supports a deleterious effect; This variant is associated with the following publications: (PMID: 24444888, 9535769, 21232767, 21757382, 18458862, 23430493, 25526786, 28433475, 27363342, 29451150, 30943998, 31953985, 31980526, 30275481, 31589614)

Johns Hopkins Genomics, Johns Hopkins University
Classification: Pathogenic for Glycogen storage disease, type II. Last evaluated: 2020-05-21. Review status: criteria provided, single submitter. Criteria: ACMG Guidelines, 2015. Collection method: clinical testing. Allele origin: germline. Not counted in ClinVar's aggregate classification.